The following is an entry in ClinVar:

NM_000545.8(HNF1A):c.108C>A (p.Tyr36Ter)

Gene: HNF1A (HNF1 homeobox A; plus strand). Cytogenetic location: 12q24.31.
Variant type: single nucleotide variant.
Coding change: c.108C>A on transcript NM_000545.8 (MANE Select); coding-DNA position 108, C replaced by A.
Protein change: p.Tyr36Ter; replaces tyrosine 36 with a stop codon.
Molecular consequence: nonsense.
Genome position (GRCh38, 1-based): chr12:120,978,876, C>A. VCF-style: chr12-120978876-C-A. GRCh37 (hg19) VCF-style: chr12-121416679-C-A.
Other names: c.108C>A, p.Tyr36Ter (NM_001306179.2, NM_001406915.1); short protein forms Y36*.
Identifiers: ClinVar variation 3858203 (VCV003858203.2).

ClinVar aggregate classification (germline): Pathogenic/Likely pathogenic. Review status: criteria provided, multiple submitters, no conflicts (2 of 4 stars). 2 submissions from 2 submitters: Pathogenic (1); Likely pathogenic (1). Last evaluated 2025-08-13.

Conditions:
Maturity-onset diabetes of the young (MODY). Also called: Maturity onset diabetes mellitus in young. Identifiers: Orphanet 552, MedGen C0342276, MONDO:0018911, HP:0004904.

Submissions (2):

GeneDx
Classification: Pathogenic. Last evaluated: 2025-08-13. Review status: criteria provided, single submitter. Criteria: GeneDx Variant Classification Process June 2021. Collection method: clinical testing. Allele origin: germline. Affected: yes.
Comment: Nonsense variant predicted to result in protein truncation or nonsense mediated decay in a gene for which loss of function is a known mechanism of disease; Not observed at significant frequency in large population cohorts (gnomAD); Reported in a patient with diabetes in published literature (PMID: 25483937); limited information is provided; This variant is associated with the following publications: (PMID: 20393147, 25483937)

Ambry Genetics
Classification: Likely pathogenic for Maturity-onset diabetes of the young. Last evaluated: 2025-01-06. Review status: criteria provided, single submitter. Criteria: Ambry Variant Classification Scheme 2023. Collection method: clinical testing. Allele origin: germline.
Comment: The p.Y36* variant (also known as c.108C>A), located in coding exon 1 of the HNF1A gene, results from a C to A substitution at nucleotide position 108. This changes the amino acid from a tyrosine to a stop codon within coding exon 1. The predicted stop codon occurs in the 5&rsquo; end of theHNF1A gene. Premature termination codons in the 5&rsquo; end of a gene have been reported to escape nonsense-mediated mRNAdecay and/or lead to re-initiation (Rivas et al. Science. 2015 May 8;348(6235):666-9; Lindeboom et al. Nat Genet. 2016 Oct;48(10):1112-8; Rhee et al. Sci Rep. 2017 May 10;7(1):1653). Direct evidence for this alteration is unavailable, however premature termination codons are typically deleterious in nature. This variant has been reported in a cohort of pediatric subjects suspected to have HNF1A-related maturity onset diabetes of the young (MODY) (Raile K et al. Diabet Med, 2015 Apr;32:526-30). This variant is considered to be rare based on population cohorts in the Genome Aggregation Database (gnomAD). Based on the majority of available evidence to date, this variant is likely to be pathogenic.

Literature cited by the submitters: PubMed 25483937 (cited by Ambry Genetics).